The following is an entry in ClinVar:

NM_020806.5(GPHN):c.811C>T (p.His271Tyr)

Gene: GPHN (gephyrin; plus strand). Cytogenetic location: 14q23.3.
Variant type: single nucleotide variant.
Coding change: c.811C>T on transcript NM_020806.5 (MANE Select); coding-DNA position 811, C replaced by T.
Protein change: p.His271Tyr; replaces histidine 271 with tyrosine.
Molecular consequence: missense variant. On other transcripts: intron variant (7).
Genome position (GRCh38, 1-based): chr14:66,924,275, C>T. VCF-style: chr14-66924275-C-T. GRCh37 (hg19) VCF-style: chr14-67390992-C-T.
Other names: c.768+1337C>T (NM_001377514.1, NM_001377519.1); c.729+1337C>T (NM_001377515.1, NM_001377516.1, NM_001377518.1 and 2 more transcripts); short protein forms H271Y.
Identifiers: ClinVar variation 1968805 (VCV001968805.5), dbSNP rs745440766, ClinGen allele CA390256773.

ClinVar aggregate classification (germline): Uncertain significance (1 of 4 stars; one submission).

Conditions:
Sulfite oxidase deficiency due to molybdenum cofactor deficiency type C. Also called: Molybdenum cofactor deficiency, complementation group C; Molybdenum cofactor deficiency C. Identifiers: Orphanet 308400, Orphanet 833, MedGen C1854990, MONDO:0014212, OMIM 615501.

gnomAD v4.1: 1 of 1,599,544 alleles (0.000063%); no homozygotes.

Submission:

Labcorp Genetics (formerly Invitae), Labcorp
Classification: Uncertain significance for Sulfite oxidase deficiency due to molybdenum cofactor deficiency type C. Last evaluated: 2022-10-21. Review status: criteria provided, single submitter. Criteria: Invitae Variant Classification Sherloc (09022015). Collection method: clinical testing. Allele origin: germline.
Comment: In summary, the available evidence is currently insufficient to determine the role of this variant in disease. Therefore, it has been classified as a Variant of Uncertain Significance. Algorithms developed to predict the effect of sequence changes on RNA splicing suggest that this variant may disrupt the consensus splice site. Algorithms developed to predict the effect of missense changes on protein structure and function (SIFT, PolyPhen-2, Align-GVGD) all suggest that this variant is likely to be tolerated. This variant has not been reported in the literature in individuals affected with GPHN-related conditions. This variant is not present in population databases (gnomAD no frequency). This sequence change replaces histidine, which is basic and polar, with tyrosine, which is neutral and polar, at codon 271 of the GPHN protein (p.His271Tyr).